The following is an entry in ClinVar:

NM_006031.6(PCNT):c.5106G>C (p.Thr1702=)

Gene: PCNT (pericentrin; plus strand). Cytogenetic location: 21q22.3.
Variant type: single nucleotide variant.
Coding change: c.5106G>C on transcript NM_006031.6 (MANE Select); coding-DNA position 5106, G replaced by C.
Protein change: p.Thr1702=; no amino-acid change (threonine 1702 retained).
Molecular consequence: synonymous variant.
Genome position (GRCh38, 1-based): chr21:46,402,474, G>C. VCF-style: chr21-46402474-G-C. GRCh37 (hg19) VCF-style: chr21-47822388-G-C.
Other names: c.5106G>C (NM_006031.5); c.4752G>C, p.Thr1584= (NM_001315529.2).
Identifiers: ClinVar variation 2830071 (VCV002830071.4), dbSNP rs1221030801, ClinGen allele CA512746332.

ClinVar aggregate classification (germline): Likely benign. Review status: criteria provided, single submitter (1 of 4 stars). 2 submissions from 2 submitters: Likely benign (1). 1 of the submissions does not count toward it. Last evaluated 2023-01-19.

Conditions:
PCNT-related disorder. Also called: PCNT-related condition.

Submissions (2):

Labcorp Genetics (formerly Invitae), Labcorp
Classification: Likely benign. Last evaluated: 2023-01-19. Review status: criteria provided, single submitter. Criteria: Invitae Variant Classification Sherloc (09022015). Collection method: clinical testing. Allele origin: germline.

PreventionGenetics, part of Exact Sciences
Classification: Likely benign for PCNT-related condition. Last evaluated: 2022-08-17. Review status: no assertion criteria provided. Collection method: clinical testing. Allele origin: germline. Not counted in ClinVar's aggregate classification.
Comment: This variant is classified as likely benign based on ACMG/AMP sequence variant interpretation guidelines (Richards et al. 2015 PMID: 25741868, with internal and published modifications).